The following is an entry in ClinVar:

NM_080424.4(SP110):c.413C>T (p.Ala138Val)

Genes: SP140 (SP140 nuclear body protein; plus strand), SP110 (SP110 nuclear body protein; minus strand). Cytogenetic location: 2q37.1.
Variant type: single nucleotide variant.
Coding change: c.413C>T on transcript NM_080424.4 (MANE Select); coding-DNA position 413, C replaced by T.
Protein change: p.Ala138Val; replaces alanine 138 with valine.
Molecular consequence: missense variant.
Genome position (GRCh38, 1-based): chr2:230,212,931, G>A on the plus strand (C>T on the coding strand, the complement: SP110 is on the minus strand). VCF-style: chr2-230212931-G-A. GRCh37 (hg19) VCF-style: chr2-231077646-G-A.
Other names: c.431C>T, p.Ala144Val (NM_001185015.2, NM_001378442.1, NM_001378444.1 and 2 more transcripts); c.413C>T, p.Ala138Val (NM_001378443.1, NM_001378447.1, NM_004509.5 and 1 more transcripts); c.413C>T (NM_004509.3); short protein forms A138V, A144V.
Identifiers: ClinVar variation 1440007 (VCV001440007.7), dbSNP rs114017623, ClinGen allele CA66761527.

ClinVar aggregate classification (germline): Uncertain significance. Review status: criteria provided, multiple submitters, no conflicts (2 of 4 stars). 2 submissions from 2 submitters: Uncertain significance (2). Last evaluated 2024-10-21.

Conditions:
Inborn genetic diseases. Identifiers: MedGen C0950123, MeSH D030342.
Hepatic veno-occlusive disease-immunodeficiency syndrome. Also called: Hepatic Veno-Occlusive Disease with Immunodeficiency. Identifiers: Orphanet 79124, MedGen C1856128, MONDO:0009338, OMIM 235550. Disease mechanism: loss of function.

Allele frequency attached by ClinVar (database versions not stated): gnomAD 0.00002 and 0.00003; gnomAD exomes 0.00002 and 0.00003; TOPMed 0.00006; 1000 Genomes Project 30x 0.00016; 1000 Genomes Project 0.00020.
gnomAD v4.1: 36 of 1,614,072 alleles (0.0022%); highest among the groups gnomAD compares: African/African-American, 0.02%; no homozygotes.

Submissions (2):

Labcorp Genetics (formerly Invitae), Labcorp
Classification: Uncertain significance for Hepatic veno-occlusive disease-immunodeficiency syndrome. Last evaluated: 2024-10-21. Review status: criteria provided, single submitter. Criteria: Invitae Variant Classification Sherloc (09022015). Collection method: clinical testing. Allele origin: germline.
Comment: This sequence change replaces alanine, which is neutral and non-polar, with valine, which is neutral and non-polar, at codon 138 of the SP110 protein (p.Ala138Val). This variant is present in population databases (rs114017623, gnomAD 0.004%). This variant has not been reported in the literature in individuals affected with SP110-related conditions. ClinVar contains an entry for this variant (Variation ID: 1440007). An algorithm developed to predict the effect of missense changes on protein structure and function (PolyPhen-2) suggests that this variant¬†is likely to be tolerated. In summary, the available evidence is currently insufficient to determine the role of this variant in disease. Therefore, it has been classified as a Variant of Uncertain Significance.

Ambry Genetics
Classification: Uncertain significance for Inborn genetic diseases. Last evaluated: 2021-09-16. Review status: criteria provided, single submitter. Criteria: Ambry Variant Classification Scheme 2023. Collection method: clinical testing. Allele origin: germline.